The following is an entry in ClinVar:

NM_003413.4(ZIC3):c.435C>G (p.Ser145Arg)

Gene: ZIC3 (Zic family zinc finger 3; plus strand). Cytogenetic location: Xq26.3.
Variant type: single nucleotide variant.
Coding change: c.435C>G on transcript NM_003413.4 (MANE Select); coding-DNA position 435, C replaced by G.
Protein change: p.Ser145Arg; replaces serine 145 with arginine.
Molecular consequence: missense variant.
Genome position (GRCh38, 1-based): chrX:137,567,126, C>G. VCF-style: chrX-137567126-C-G. GRCh37 (hg19) VCF-style: chrX-136649285-C-G.
Other names: c.435C>G, p.Ser145Arg (NM_001330661.1); short protein forms S145R.
Identifiers: ClinVar variation 2887712 (VCV002887712.3), dbSNP rs1464584985, ClinGen allele CA414769918.

ClinVar aggregate classification (germline): Uncertain significance (1 of 4 stars; one submission).

Conditions:
Heterotaxy, visceral, 1, X-linked (HTX1). Also called: SITUS INVERSUS, COMPLEX CARDIAC DEFECTS, AND SPLENIC DEFECTS, X-LINKED; DEXTROCARDIA WITH OTHER CARDIAC MALFORMATIONS; Laterality, X-linked; Visceral heterotaxia. Identifiers: Orphanet 450, MedGen C1844020, MONDO:0010607, OMIM 306955.

Submission:

Labcorp Genetics (formerly Invitae), Labcorp
Classification: Uncertain significance for Heterotaxy, visceral, 1, X-linked. Last evaluated: 2023-10-22. Review status: criteria provided, single submitter. Criteria: Invitae Variant Classification Sherloc (09022015). Collection method: clinical testing. Allele origin: germline.
Comment: This sequence change replaces serine, which is neutral and polar, with arginine, which is basic and polar, at codon 145 of the ZIC3 protein (p.Ser145Arg). This variant is not present in population databases (gnomAD no frequency). This variant has not been reported in the literature in individuals affected with ZIC3-related conditions. Advanced modeling of protein sequence and biophysical properties (such as structural, functional, and spatial information, amino acid conservation, physicochemical variation, residue mobility, and thermodynamic stability) performed at Invitae indicates that this missense variant is not expected to disrupt ZIC3 protein function. In summary, the available evidence is currently insufficient to determine the role of this variant in disease. Therefore, it has been classified as a Variant of Uncertain Significance.